The following is an entry in ClinVar:

ClinVar aggregate classification (germline): Likely pathogenic (1 of 4 stars; one submission).

Submission:

Labcorp Genetics (formerly Invitae), Labcorp
Classification: Likely pathogenic. Last evaluated: 2023-04-30. Review status: criteria provided, single submitter. Criteria: Invitae Variant Classification Sherloc (09022015). Collection method: clinical testing. Allele origin: germline.
Comment: In summary, the currently available evidence indicates that the variant is pathogenic, but additional data are needed to prove that conclusively. Therefore, this variant has been classified as Likely Pathogenic. Algorithms developed to predict the effect of sequence changes on RNA splicing suggest that this variant may disrupt the consensus splice site. ClinVar contains an entry for this variant (Variation ID: 2121693). This variant has not been reported in the literature in individuals affected with SLC12A1-related conditions. This variant is not present in population databases (gnomAD no frequency). This sequence change affects an acceptor splice site in intron 17 of the SLC12A1 gene. It is expected to disrupt RNA splicing. Variants that disrupt the donor or acceptor splice site typically lead to a loss of protein function (PMID: 16199547), and loss-of-function variants in SLC12A1 are known to be pathogenic (PMID: 8640224, 9585600, 19096086).

Literature cited by the submitters: PubMed 16199547; PubMed 8640224; PubMed 9585600; PubMed 19096086.

NM_000338.3(SLC12A1):c.2155-2A>G

Gene: SLC12A1 (solute carrier family 12 member 1; plus strand). Cytogenetic location: 15q21.1.
Variant type: single nucleotide variant.
Coding change: c.2155-2A>G on transcript NM_000338.3 (MANE Select); the canonical splice acceptor site of the intron before coding-DNA position 2155, A replaced by G.
Molecular consequence: splice acceptor variant.
Genome position (GRCh38, 1-based): chr15:48,267,559, A>G. VCF-style: chr15-48267559-A-G. GRCh37 (hg19) VCF-style: chr15-48559756-A-G.
Other names: c.2155-2A>G (NM_001384136.1, NM_001184832.2).
Identifiers: ClinVar variation 2121693 (VCV002121693.4), dbSNP rs2505136920, ClinGen allele CA392314798.